The following is an entry in ClinVar:

NM_001377.3(DYNC2H1):c.12124C>T (p.Pro4042Ser)

Gene: DYNC2H1 (dynein cytoplasmic 2 heavy chain 1; plus strand). Cytogenetic location: 11q22.3.
Variant type: single nucleotide variant.
Coding change: c.12124C>T on transcript NM_001377.3 (MANE Select); coding-DNA position 12124, C replaced by T.
Protein change: p.Pro4042Ser; replaces proline 4042 with serine.
Molecular consequence: missense variant.
Genome position (GRCh38, 1-based): chr11:103,358,327, C>T. VCF-style: chr11-103358327-C-T. GRCh37 (hg19) VCF-style: chr11-103229055-C-T.
Other names: c.12145C>T, p.Pro4049Ser (NM_001080463.2); short protein forms P4042S, P4049S.
Identifiers: ClinVar variation 4705669 (VCV004705669.1).

ClinVar aggregate classification (germline): Uncertain significance (1 of 4 stars; one submission).

Conditions:
Jeune thoracic dystrophy. Also called: Short-rib thoracic dysplasia; Jeune syndrome; Infantile thoracic dystrophy; Thoracic pelvic phalangeal dystrophy; Jeune's syndrome; Chondroectodermal dysplasia-like syndrome. Identifiers: Orphanet 474, MedGen C0265275, MONDO:0018770.

gnomAD v4.1: 16 of 1,583,426 alleles (0.001%); highest among the groups gnomAD compares: Non-Finnish European, 0.0012%; no homozygotes.

Submission:

Labcorp Genetics (formerly Invitae), Labcorp
Classification: Uncertain significance for Jeune thoracic dystrophy. Last evaluated: 2025-10-03. Review status: criteria provided, single submitter. Criteria: Invitae Variant Classification Sherloc (09022015). Collection method: clinical testing. Allele origin: germline.
Comment: This sequence change replaces proline, which is neutral and non-polar, with serine, which is neutral and polar, at codon 4049 of the DYNC2H1 protein (p.Pro4049Ser). The frequency data for this variant in the population databases is considered unreliable, as metrics indicate poor data quality at this position in the gnomAD database. This variant has not been reported in the literature in individuals affected with DYNC2H1-related conditions. Invitae Evidence Modeling of protein sequence and biophysical properties (such as structural, functional, and spatial information, amino acid conservation, physicochemical variation, residue mobility, and thermodynamic stability) indicates that this missense variant is expected to disrupt DYNC2H1 protein function with a positive predictive value of 95%. In summary, the available evidence is currently insufficient to determine the role of this variant in disease. Therefore, it has been classified as a Variant of Uncertain Significance.